The following is an entry in ClinVar:

NM_000257.4(MYH7):c.4487A>C (p.Glu1496Ala)

Genes: MYH7 (myosin heavy chain 7; minus strand), MHRT (myosin heavy chain associated RNA transcript; plus strand). Cytogenetic location: 14q11.2.
Variant type: single nucleotide variant.
Coding change: c.4487A>C on transcript NM_000257.4 (MANE Select); coding-DNA position 4487, A replaced by C.
Protein change: p.Glu1496Ala; replaces glutamic acid 1496 with alanine.
Molecular consequence: missense variant.
Genome position (GRCh38, 1-based): chr14:23,417,185, T>G on the plus strand (A>C on the coding strand, the complement: MYH7 is on the minus strand). VCF-style: chr14-23417185-T-G. GRCh37 (hg19) VCF-style: chr14-23886394-T-G.
Other names: short protein forms E1496A.
Identifiers: ClinVar variation 43021 (VCV000043021.40), dbSNP rs397516218, ClinGen allele CA015023.

ClinVar aggregate classification (germline): Conflicting classifications of pathogenicity. Review status: criteria provided, conflicting classifications (1 of 4 stars). 9 submissions from 9 submitters: Pathogenic (1); Likely pathogenic (1); Uncertain significance (7). Last evaluated 2026-01-27.

Conditions:
MYH7-related disorder. Also called: MYH7-related condition; MYH7-related disease; MYH7-related disorders.
Myosin storage myopathy (CMYO7A). Also called: MYOPATHY WITH LYSIS OF TYPE I MYOFIBRILS; MYOPATHY, HYALINE BODY, AUTOSOMAL DOMINANT; SCAPULOPERONEAL MUSCULAR DYSTROPHY; SCAPULOPERONEAL SYNDROME, MYOPATHIC TYPE; MYH7-related late-onset scapuloperoneal muscular dystrophy; Congenital myopathy 7A, myosin storage, autosomal dominant. Identifiers: Orphanet 437572, Orphanet 636965, MedGen C1842160, MONDO:0008409, OMIM 608358.
Cardiovascular phenotype. Identifiers: MedGen CN230736.
Cardiomyopathy (CMYO). Also called: Cardiomyopathies. Identifiers: Orphanet 167848, MedGen C0878544, MONDO:0004994, HP:0001638. Inheritance: Various modes of inheritance.
Hypertrophic cardiomyopathy. Also called: HYPERTROPHIC MYOCARDIOPATHY. Identifiers: Orphanet 217569, MedGen C0007194, MeSH D002312, MONDO:0005045, HP:0001639.

Allele frequency attached by ClinVar (database versions not stated): gnomAD 0.00001; gnomAD exomes 0.00001 and 0.00002; TOPMed 0.00001; ExAC 0.00002.
gnomAD v4.1: 5 of 1,614,034 alleles (0.00031%); highest among the groups gnomAD compares: Non-Finnish European, 0.00042%; no homozygotes.

Submissions (9):

PreventionGenetics, part of Exact Sciences
Classification: Uncertain significance for MYH7-related condition. Last evaluated: 2026-01-27. Review status: criteria provided, single submitter. Criteria: ACMG Guidelines, 2015. Collection method: clinical testing. Allele origin: germline.
Comment: The MYH7 c.4487A>C variant is predicted to result in the amino acid substitution p.Glu1496Ala. This variant has been reported in individuals with hypertrophic cardiomyopathy (Zeller et al. 2006. PubMed ID: 16715312; Supplemental table 1, Bos et al. 2014. PubMed ID: 24793961; Supplementary file 2, Hathaway et al. 2021. PubMed ID: 33673806; Supplemental table 1, Mattivi et al. 2020. PubMed ID: 32894683), but no segregation data or functional evidence has been described. This variant is reported in 0.0039% of alleles in individuals of European (Non-Finnish) descent in gnomAD and has conflicting interpretations in ClinVar, ranging from uncertain to pathogenic (ClinVar ID: 43021). Although we suspect that this variant may be pathogenic, the clinical significance of this variant remains uncertain at this time due to the absence of conclusive functional and genetic evidence.

Ambry Genetics
Classification: Uncertain significance for Cardiovascular phenotype. Last evaluated: 2025-07-25. Review status: criteria provided, single submitter. Criteria: Ambry Variant Classification Scheme 2023. Collection method: clinical testing. Allele origin: germline.
Comment: The p.E1496A variant (also known as c.4487A>C), located in coding exon 30 of the MYH7 gene, results from an A to C substitution at nucleotide position 4487. The glutamic acid at codon 1496 is replaced by alanine, an amino acid with dissimilar properties. This variant was reported in individual(s) with features consistent with hypertrophic cardiomyopathy (Zeller R et al. J Mol Med (Berl), 2006 Aug;84:682-91; Bos JM et al. Mayo Clin Proc, 2014 Jun;89:727-37; Hathaway J et al. BMC Cardiovasc Disord, 2021 03;21:126). This amino acid position is highly conserved in available vertebrate species. In addition, this alteration is predicted to be deleterious by in silico analysis. Based on the available evidence, the clinical significance of this variant remains unclear.

CeGaT Center for Human Genetics Tuebingen
Classification: Uncertain significance. Last evaluated: 2025-06-01. Review status: criteria provided, single submitter. Criteria: CeGaT Center For Human Genetics Tuebingen Variant Classification Criteria Version 2. Collection method: clinical testing. Allele origin: germline. Affected: yes. Observed: 2 variant alleles.
Comment: MYH7: PM2, PS4:Moderate

Labcorp Genetics (formerly Invitae), Labcorp
Classification: Pathogenic for Hypertrophic cardiomyopathy. Last evaluated: 2025-05-28. Review status: criteria provided, single submitter. Criteria: Invitae Variant Classification Sherloc (09022015). Collection method: clinical testing. Allele origin: germline.
Comment: This sequence change replaces glutamic acid, which is acidic and polar, with alanine, which is neutral and non-polar, at codon 1496 of the MYH7 protein (p.Glu1496Ala). This variant is present in population databases (rs397516218, gnomAD 0.002%). This missense change has been observed in individuals with hypertrophic cardiomyopathy (PMID: 16715312, 24793961; internal data). ClinVar contains an entry for this variant (Variation ID: 43021). Invitae Evidence Modeling of protein sequence and biophysical properties (such as structural, functional, and spatial information, amino acid conservation, physicochemical variation, residue mobility, and thermodynamic stability) indicates that this missense variant is expected to disrupt MYH7 protein function with a positive predictive value of 95%. For these reasons, this variant has been classified as Pathogenic.

All of Us Research Program, National Institutes of Health
Classification: Uncertain significance for Cardiomyopathy. Last evaluated: 2024-03-24. Review status: criteria provided, single submitter. Criteria: ACMG Guidelines, 2015. Collection method: clinical testing. Allele origin: germline. Inheritance: Autosomal dominant inheritance. Observed: 1 variant allele, 1 heterozygote.
Comment: This missense variant replaces glutamic acid with alanine at codon 1496 of the MYH7 protein. Computational prediction tools indicate that this variant has a deleterious impact on protein structure and function. To our knowledge, functional studies have not been reported for this variant. This variant has been reported in at least five individuals affected with hypertrophic cardiomyopathy (PMID: 16715312, 24793961, 32894683, 33673806; ClinVar SCV001380773.4; Bonaventura 2021, dissertation, Charles University). This variant has been identified in 5/282872 chromosomes in the general population by the Genome Aggregation Database (gnomAD). The available evidence is insufficient to determine the role of this variant in disease conclusively. Therefore, this variant is classified as a Variant of Uncertain Significance.

This study involves interpretation of variants in research participants for the purpose of population health screening. Participant phenotype was not available at the time of variant classification. Additional details can be found in publication PMID: 35346344, PMCID: PMC8962531

Color Diagnostics, LLC DBA Color Health
Classification: Uncertain significance for Cardiomyopathy. Last evaluated: 2024-02-15. Review status: criteria provided, single submitter. Criteria: ACMG Guidelines, 2015. Collection method: clinical testing. Allele origin: germline.
Comment: This missense variant replaces glutamic acid with alanine at codon 1496 of the MYH7 protein. Computational prediction tools indicate that this variant has a deleterious impact on protein structure and function. To our knowledge, functional studies have not been reported for this variant. This variant has been reported in at least five individuals affected with hypertrophic cardiomyopathy (PMID: 16715312, 24793961, 32894683, 33673806ClinVar SCV001380773.4Bonaventura 2021, dissertation, Charles University). This variant has been identified in 5/282872 chromosomes in the general population by the Genome Aggregation Database (gnomAD). The available evidence is insufficient to determine the role of this variant in disease conclusively. Therefore, this variant is classified as a Variant of Uncertain Significance.

Laboratory for Molecular Medicine, Mass General Brigham Personalized Medicine
Classification: Uncertain significance. Last evaluated: 2015-11-20. Review status: criteria provided, single submitter. Criteria: LMM Criteria. Collection method: clinical testing. Allele origin: germline. Observed: 1 variant allele.
Comment: proposed classification - variant undergoing re-assessment, contact laboratory

GeneDx
Classification: Likely pathogenic. Last evaluated: 2015-09-30. Review status: criteria provided, single submitter. Criteria: GeneDx Variant Classification (06012015). Collection method: clinical testing. Allele origin: germline. Affected: yes.
Comment: p.Glu1496Ala (GAG>GCG): c.4487 A>C in exon 32 of the MYH7 gene (NM_000257.2). The E1496A mutation in the MYH7 gene has been previously reported in one individual with HCM and the mutation was absent from 168 control individuals (Zeller R et al., 2006). Furthermore, the E1496A mutation was not observed inapproximately 6,500 individuals of European and African American ancestry in the NHLBI Exome Sequencing Project, indicating it is not a common benign variant in these populations. The E1496A variant is a non-conservative amino acid substitution as these residues differ in polarity, charge, size and/or other properties and is more likely to impact secondary structure. Mutations in nearby residues (Y1488C, S1491C, R1500W) have been reported in association with cardiomyopathy, further supporting the functional importance of this region of the protein. In summary, E1496A in the MYH7 gene is interpreted as a disease-causing mutation. The variant is found in HCM panel(s).

Institute for Medical Genetics and Human Genetics, Charité - Universitätsmedizin Berlin
Classification: Uncertain significance for Myosin storage myopathy. Review status: criteria provided, single submitter. Criteria: ACMG Guidelines, 2015. Collection method: not provided. Allele origin: germline. Inheritance: Autosomal dominant inheritance. Affected: yes.

Literature cited by the submitters: PubMed 16715312 (cited by 5 submitters); PubMed 24793961 (cited by 4 submitters); PubMed 33673806 (cited by 3 submitters); PubMed 32894683 (cited by All of Us Research Program, National Institutes of Health and Color Diagnostics, LLC DBA Color Health).